The following is an entry in ClinVar:

ClinVar aggregate classification (germline): Uncertain significance. Review status: criteria provided, multiple submitters, no conflicts (2 of 4 stars). 3 submissions from 3 submitters: Uncertain significance (3). Last evaluated 2025-09-23.

Conditions:
Malignant hyperthermia, susceptibility to, 1 (MHS1). Also called: Anesthesia related hyperthermia; Malignant hyperpyrexia; Fulminating hyperpyrexia; Pharmacogenic myopathy; RYR1-Related Malignant Hyperthermia Susceptibility; Malignant hyperthermia suceptibility 1. Identifiers: Orphanet 423, MedGen C2930980, MONDO:0007783, OMIM 145600.

Allele frequency attached by ClinVar (database versions not stated): gnomAD exomes below 0.00001.
gnomAD v4.1: 2 of 1,593,484 alleles (0.00013%); highest among the groups gnomAD compares: Non-Finnish European, 0.00017%; no homozygotes.

Submissions (3):

GeneDx
Classification: Uncertain significance. Last evaluated: 2025-09-23. Review status: criteria provided, single submitter. Criteria: GeneDx Variant Classification Process June 2021. Collection method: clinical testing. Allele origin: germline.
Comment: Not observed at significant frequency in large population cohorts (gnomAD); In silico analysis supports that this missense variant has a deleterious effect on protein structure/function; Has not been previously published as pathogenic or benign to our knowledge

All of Us Research Program, National Institutes of Health
Classification: Uncertain significance for Malignant hyperthermia, susceptibility to, 1. Last evaluated: 2023-04-03. Review status: criteria provided, single submitter. Criteria: ACMG Guidelines, 2015. Collection method: clinical testing. Allele origin: germline. Inheritance: Autosomal dominant inheritance. Observed: 1 variant allele, 1 heterozygote.
Comment: This missense variant replaces cysteine with tyrosine at codon 2606 of the RYR1 protein. Computational prediction suggests that this variant may have deleterious impact on protein structure and function (internally defined REVEL score threshold >= 0.7, PMID: 27666373). To our knowledge, functional studies have not been reported for this variant. This variant has not been reported in individuals affected with RYR1-related disorders in the literature. This variant has not been identified in the general population by the Genome Aggregation Database (gnomAD). The available evidence is insufficient to determine the role of this variant in disease conclusively. Therefore, this variant is classified as a Variant of Uncertain Significance.

This study involves interpretation of variants in research participants for the purpose of population health screening. Participant phenotype was not available at the time of variant classification. Additional details can be found in publication PMID: 35346344, PMCID: PMC8962531

Women's Health and Genetics/Laboratory Corporation of America, LabCorp
Classification: Uncertain significance. Last evaluated: 2018-02-20. Review status: criteria provided, single submitter. Criteria: LabCorp Variant Classification Summary - May 2015. Collection method: clinical testing. Allele origin: germline.
Comment: Variant summary: RYR1 c.7817G>A (p.Cys2606Tyr) results in a non-conservative amino acid change in the encoded protein sequence. Four of five in-silico tools predict a damaging effect of the variant on protein function. The variant was absent in 241168 control chromosomes. The available data on variant occurrences in the general population are insufficient to allow any conclusion about variant significance. To our knowledge, no occurrence of c.7817G>A in affected individuals and no experimental evidence demonstrating its impact on protein function have been reported. No clinical diagnostic laboratories have submitted clinical-significance assessments for this variant to ClinVar after 2014. Based on the evidence outlined above, the variant was classified as uncertain significance.

NM_000540.3(RYR1):c.7817G>A (p.Cys2606Tyr)

Gene: RYR1 (ryanodine receptor 1; plus strand). Cytogenetic location: 19q13.2.
Variant type: single nucleotide variant.
Coding change: c.7817G>A on transcript NM_000540.3 (MANE Select); coding-DNA position 7817, G replaced by A.
Protein change: p.Cys2606Tyr; replaces cysteine 2606 with tyrosine.
Molecular consequence: missense variant.
Genome position (GRCh38, 1-based): chr19:38,502,709, G>A. VCF-style: chr19-38502709-G-A. GRCh37 (hg19) VCF-style: chr19-38993349-G-A.
Other names: c.7817G>A, p.Cys2606Tyr (NM_001042723.2); short protein forms C2606Y.
Identifiers: ClinVar variation 632972 (VCV000632972.4), dbSNP rs1358912817, ClinGen allele CA405672958.
Genomic context (GRCh38, chr19:38,502,709, plus strand): 5'-TGTACCGCCTGTCTCGGGGTCGTTCGCTCACCAAGGCGCAGCGTGACGTCATCGAGGACT[G>A]CCTCATGTCGCTCTGCAGGTGGAGCGGGGCAGGCTTCAGGGTGGGGCAGGGGCAGGGGCA-3'
Protein context (NP_000531.2, residues 2596-2616): TKAQRDVIED[Cys2606Tyr]LMSLCRYIRP